The following is an entry in ClinVar:

NM_000393.5(COL5A2):c.1442C>T (p.Pro481Leu)

Gene: COL5A2 (collagen type V alpha 2 chain; minus strand). Cytogenetic location: 2q32.2.
Variant type: single nucleotide variant.
Coding change: c.1442C>T on transcript NM_000393.5 (MANE Select); coding-DNA position 1442, C replaced by T.
Protein change: p.Pro481Leu; replaces proline 481 with leucine.
Molecular consequence: missense variant.
Genome position (GRCh38, 1-based): chr2:189,066,742, G>A on the plus strand (C>T on the coding strand, the complement: COL5A2 is on the minus strand). VCF-style: chr2-189066742-G-A. GRCh37 (hg19) VCF-style: chr2-189931468-G-A.
Other names: short protein forms P481L.
Identifiers: ClinVar variation 2763891 (VCV002763891.3), dbSNP rs2469307766, ClinGen allele CA349852276.

ClinVar aggregate classification (germline): Uncertain significance (1 of 4 stars; one submission).

Conditions:
Ehlers-Danlos syndrome, classic type, 1 (EDSCL1). Also called: EHLERS-DANLOS SYNDROME, GRAVIS TYPE; EHLERS-DANLOS SYNDROME, SEVERE CLASSIC TYPE; Ehlers-Danlos syndrome, type 1; Ehlers-Danlos Syndrome, Classic Type, COL5A1-Related; EDS I. Identifiers: MedGen C0268335, MONDO:0019567, OMIM 130000.

Submission:

Labcorp Genetics (formerly Invitae), Labcorp
Classification: Uncertain significance for Ehlers-Danlos syndrome, classic type, 1. Last evaluated: 2023-09-27. Review status: criteria provided, single submitter. Criteria: Invitae Variant Classification Sherloc (09022015). Collection method: clinical testing. Allele origin: germline.
Comment: This sequence change replaces proline, which is neutral and non-polar, with leucine, which is neutral and non-polar, at codon 481 of the COL5A2 protein (p.Pro481Leu). This variant is not present in population databases (gnomAD no frequency). This variant has not been reported in the literature in individuals affected with COL5A2-related conditions. Advanced modeling of protein sequence and biophysical properties (such as structural, functional, and spatial information, amino acid conservation, physicochemical variation, residue mobility, and thermodynamic stability) performed at Invitae indicates that this missense variant is not expected to disrupt COL5A2 protein function. In summary, the available evidence is currently insufficient to determine the role of this variant in disease. Therefore, it has been classified as a Variant of Uncertain Significance.